The following is an entry in ClinVar:

NM_007294.4(BRCA1):c.5467+20C>T

Gene: BRCA1 (BRCA1 DNA repair associated; minus strand). Cytogenetic location: 17q21.31.
Variant type: single nucleotide variant.
Coding change: c.5467+20C>T on transcript NM_007294.4 (MANE Select); 20 bases into the intron after coding-DNA position 5467, C replaced by T.
Molecular consequence: intron variant.
Genome position (GRCh38, 1-based): chr17:43,047,623, G>A on the plus strand (C>T on the coding strand, the complement: BRCA1 is on the minus strand). VCF-style: chr17-43047623-G-A. GRCh37 (hg19) VCF-style: chr17-41199640-G-A.
Other names: c.2014+20C>T (NM_001408458.1, NM_001408461.1, NM_001408464.1 and 7 more transcripts); c.4576+20C>T (NM_001407967.1); c.5086+20C>T (NM_001407959.1); c.5200+20C>T (NM_001407931.1, NM_001407932.1, NM_001407928.1 and 4 more transcripts); c.5323+20C>T (NM_001407747.1, NM_001407745.1, NM_001407737.1 and 18 more transcripts); c.5083+20C>T (NM_001407962.1, NM_001407960.1); c.1654+20C>T (NM_001408512.1); c.1777+20C>T (NM_001408510.1); and 83 more.
Identifiers: ClinVar variation 868545 (VCV000868545.3), dbSNP rs2050971586, ClinGen allele CA916080733.

Conditions:
Breast-ovarian cancer, familial, susceptibility to, 1 (BROVCA1). Also called: BRCA1 Hereditary Breast and Ovarian Cancer; OVARIAN CANCER, SUSCEPTIBILITY TO. Identifiers: Orphanet 145, MedGen C2676676, MONDO:0011450, OMIM 604370. Disease mechanism: loss of function.

Allele frequency attached by ClinVar (database versions not stated): gnomAD exomes below 0.00001.
gnomAD v4.1: 2 of 1,614,090 alleles (0.00012%); highest among the groups gnomAD compares: East Asian, 0.0022%; no homozygotes.

Submission:

Brotman Baty Institute, University of Washington
No classification provided (evidence only). Condition: Breast-ovarian cancer, familial 1. Review status: no classification provided. Collection method: in vitro. Allele origin: not applicable. Functional consequence: functionally_normal.
ClinVar note: "not provided" was previously submitted as the classification for the variant. However, the classification appeared to be based only on an observation of functional data so it was converted to no classification on 2025-07-30.